The following is an entry in ClinVar:

NM_000289.6(PFKM):c.926A>T (p.Asp309Val)

Gene: PFKM (phosphofructokinase, muscle; plus strand). Cytogenetic location: 12q13.11.
Variant type: single nucleotide variant.
Coding change: c.926A>T on transcript NM_000289.6 (MANE Select); coding-DNA position 926, A replaced by T.
Protein change: p.Asp309Val; replaces aspartic acid 309 with valine.
Molecular consequence: missense variant. On other transcripts: non-coding transcript variant (6), intron variant (1).
Genome position (GRCh38, 1-based): chr12:48,135,373, A>T. VCF-style: chr12-48135373-A-T. GRCh37 (hg19) VCF-style: chr12-48529156-A-T.
Other names: c.1139A>T, p.Asp380Val (NM_001166686.2, NM_001354737.1, NM_001354738.1 and 1 more transcripts); c.926A>T, p.Asp309Val (NM_001166687.2, NM_001166688.2, NM_001354742.2 and 3 more transcripts); c.1235A>T, p.Asp412Val (NM_001354735.1, NM_001354736.1); c.1070A>T, p.Asp357Val (NM_001354740.1); c.950A>T, p.Asp317Val (NM_001354741.2); c.839A>T, p.Asp280Val (NM_001354745.2); c.776A>T, p.Asp259Val (NM_001354747.2, NM_001354748.2); c.843+335A>T (NM_001363619.2); short protein forms D412V, D259V, D280V, D317V, D309V, D357V, D380V.
Identifiers: ClinVar variation 2124948 (VCV002124948.4), dbSNP rs1169383137, ClinGen allele CA384545934.

ClinVar aggregate classification (germline): Uncertain significance (1 of 4 stars; one submission).

Conditions:
Glycogen storage disease, type VII (GSD7). Also called: PFKM DEFICIENCY; TARUI DISEASE; GSD VII; MUSCLE PHOSPHOFRUCTOKINASE DEFICIENCY. Identifiers: Orphanet 371, MedGen C0017926, MONDO:0009295, OMIM 232800.

Submission:

Labcorp Genetics (formerly Invitae), Labcorp
Classification: Uncertain significance for Glycogen storage disease, type VII. Last evaluated: 2022-04-11. Review status: criteria provided, single submitter. Criteria: Invitae Variant Classification Sherloc (09022015). Collection method: clinical testing. Allele origin: germline.
Comment: This variant is not present in population databases (gnomAD no frequency). This variant has not been reported in the literature in individuals affected with PFKM-related conditions. Algorithms developed to predict the effect of missense changes on protein structure and function are either unavailable or do not agree on the potential impact of this missense change (SIFT: "Deleterious"; PolyPhen-2: "Probably Damaging"; Align-GVGD: "Class C0"). In summary, the available evidence is currently insufficient to determine the role of this variant in disease. Therefore, it has been classified as a Variant of Uncertain Significance. This sequence change replaces aspartic acid, which is acidic and polar, with valine, which is neutral and non-polar, at codon 309 of the PFKM protein (p.Asp309Val).